The following is an entry in ClinVar:

NM_000108.5(DLD):c.1178T>C (p.Ile393Thr)

Gene: DLD (dihydrolipoamide dehydrogenase; plus strand). Cytogenetic location: 7q31.1.
Variant type: single nucleotide variant.
Coding change: c.1178T>C on transcript NM_000108.5 (MANE Select); coding-DNA position 1178, T replaced by C.
Protein change: p.Ile393Thr; replaces isoleucine 393 with threonine.
Molecular consequence: missense variant.
Genome position (GRCh38, 1-based): chr7:107,917,404, T>C. VCF-style: chr7-107917404-T-C. GRCh37 (hg19) VCF-style: chr7-107557849-T-C.
Other names: c.1178T>C (NM_000108.4); c.881T>C, p.Ile294Thr (NM_001289750.1); c.1109T>C, p.Ile370Thr (NM_001289751.1); c.1034T>C, p.Ile345Thr (NM_001289752.1); short protein forms I393T, I345T, I370T, I294T.
Identifiers: ClinVar variation 11969 (VCV000011969.3), dbSNP rs121964991, ClinGen allele CA256135.
Genomic context (GRCh38, chr7:107,917,404, plus strand): 5'-GTGTTGAAGGAATGGCTGGTGGTGCTGTGCACATTGACTACAATTGTGTGCCATCAGTGA[T>C]TTACACACACCCTGAAGTTGCTTGGGTTGGCAAATCAGAAGAGCAGTTGAAAGAAGAGGT-3'
Protein context (NP_000099.2, residues 383-403): HIDYNCVPSV[Ile393Thr]YTHPEVAWVG

ClinVar aggregate classification (germline): Likely pathogenic. Review status: criteria provided, single submitter (1 of 4 stars). 2 submissions from 2 submitters: Likely pathogenic (1). 1 of the submissions does not count toward it. Last evaluated 2025-03-05.

Conditions:
Pyruvate dehydrogenase E3 deficiency (DLDD). Also called: Dihydrolipoamide Dehydrogenase Deficiency; Dihydrolipoamide Dehydrogenase (E3) Deficiency; Lipoamide dehydrogenase deficiency, lactic acidosis due to; Lipoamide dehydrogenase deficiency; MAPLE SYRUP URINE DISEASE, TYPE III; Dihydrolipoamide Dehydrogenase E3 Deficiency. Identifiers: Orphanet 2394, Orphanet 765, MedGen C5574660, MONDO:0009529, OMIM 246900.

Submissions (2):

Natera, Inc.
Classification: Likely pathogenic for Maple syrup urine disease type 3. Last evaluated: 2025-03-05. Review status: criteria provided, single submitter. Criteria: Natera Variant Classification Schema (03/2026). Collection method: clinical testing. Allele origin: germline.
Comment: The c.1178T>C variant in DLD is a missense variant predicted to cause substitution of isoleucine to threonine at amino acid 393. This variant is rare in the general population with a frequency below the threshold expected for the associated phenotype(s). This variant has been observed in one or more individuals affected with the associated recessive disease, as either homozygous or compound heterozygous with a second variant (PMID: 12925875). Computational prediction algorithms indicate this variant is likely to affect gene or protein function. Given the available evidence, this variant is classified as Likely Pathogenic.

OMIM
Classification: Pathogenic for DIHYDROLIPOAMIDE DEHYDROGENASE DEFICIENCY. Last evaluated: 2005-03-01. Review status: no assertion criteria provided. Collection method: literature only. Allele origin: germline. Not counted in ClinVar's aggregate classification.

Literature cited by the submitters: PubMed 12925875 (cited by Natera, Inc. and OMIM); PubMed 15712224 (cited by OMIM).